The following is an entry in ClinVar:

ClinVar aggregate classification (germline): Benign (1 of 4 stars; one submission).

Conditions:
Pheochromocytoma. Also called: MAX-Related Hereditary Paraganglioma-Pheochromocytoma Syndrome. Identifiers: Orphanet 29072, MedGen C0031511, MONDO:0008233, OMIM 171300, HP:0002666.

Allele frequency attached by ClinVar (database versions not stated): 1000 Genomes Project 30x 0.00062; 1000 Genomes Project 0.00080; gnomAD 0.00168 and 0.00170; TOPMed 0.00172; gnomAD exomes 0.00229.
gnomAD v4.1: 433 of 227,844 alleles (0.19%); highest among the groups gnomAD compares: Non-Finnish European, 0.32%; no homozygotes.

Submission:

Illumina Laboratory Services, Illumina
Classification: Benign for Pheochromocytoma. Last evaluated: 2018-01-13. Review status: criteria provided, single submitter. Criteria: ICSL Variant Classification Criteria 13 December 2019. Collection method: clinical testing. Allele origin: germline.
Comment: This variant was observed in the ICSL laboratory as part of a predisposition screen in an ostensibly healthy population. It had not been previously curated by ICSL or reported in the Human Gene Mutation Database (HGMD: prior to June 1st, 2018), and was therefore a candidate for classification through an automated scoring system. Utilizing variant allele frequency, disease prevalence and penetrance estimates, and inheritance mode, an automated score was calculated to assess if this variant is too frequent to cause the disease. Based on the score and internal cut-off values, a variant classified as benign is not then subjected to further curation. The score for this variant resulted in a classification of benign for this disease.

NM_017849.4(TMEM127):c.*2845T>G

Gene: TMEM127 (transmembrane protein 127; minus strand). Cytogenetic location: 2q11.2.
Variant type: single nucleotide variant.
Coding change: c.*2845T>G on transcript NM_017849.4 (MANE Select); 2845 bases downstream of the stop codon, T replaced by G.
Molecular consequence: 3 prime UTR variant.
Genome position (GRCh38, 1-based): chr2:96,250,963, A>C on the plus strand (T>G on the coding strand, the complement: TMEM127 is on the minus strand). VCF-style: chr2-96250963-A-C. GRCh37 (hg19) VCF-style: chr2-96916701-A-C.
Other names: c.*2845T>G (NM_001193304.3).
Identifiers: ClinVar variation 337454 (VCV000337454.5), dbSNP rs182729595, ClinGen allele CA10616468.